The following is an entry in ClinVar:

ClinVar aggregate classification (germline): Conflicting classifications of pathogenicity. Review status: criteria provided, conflicting classifications (1 of 4 stars). 6 submissions from 6 submitters: Uncertain significance (3); Likely benign (3). Last evaluated 2026-06-29.

Conditions:
Familial thoracic aortic aneurysm and aortic dissection (TAAD). Also called: Thoracic aortic aneurysms and dissections. Identifiers: Orphanet 91387, MedGen C4707243, MONDO:0019625.
Ehlers-Danlos syndrome, classic type, 1 (EDSCL1). Also called: EHLERS-DANLOS SYNDROME, GRAVIS TYPE; EHLERS-DANLOS SYNDROME, SEVERE CLASSIC TYPE; Ehlers-Danlos Syndrome, Classic Type, COL5A1-Related; Ehlers-Danlos syndrome, type 1; EDS I. Identifiers: MedGen C0268335, MONDO:0019567, OMIM 130000.

Allele frequency attached by ClinVar (database versions not stated): gnomAD exomes 0.00005 and 0.00010; gnomAD 0.00039 and 0.00036; TOPMed 0.00036; 1000 Genomes Project 0.00100; ESP Exome Variant Server 0.00015; ExAC 0.00010; 1000 Genomes Project 30x 0.00078.
gnomAD v4.1: 143 of 1,613,518 alleles (0.0089%); highest among the groups gnomAD compares: African/African-American, 0.13%; no homozygotes.

Submissions (6):

Women's Health and Genetics/Laboratory Corporation of America, LabCorp
Classification: Likely benign. Last evaluated: 2026-06-29. Review status: criteria provided, single submitter. Criteria: LabCorp Variant Classification Summary - May 2015. Collection method: clinical testing. Allele origin: germline.

Labcorp Genetics (formerly Invitae), Labcorp
Classification: Likely benign for Ehlers-Danlos syndrome, classic type, 1. Last evaluated: 2026-01-19. Review status: criteria provided, single submitter. Criteria: Invitae Variant Classification Sherloc (09022015). Collection method: clinical testing. Allele origin: germline.

Ambry Genetics
Classification: Uncertain significance for Familial thoracic aortic aneurysm and aortic dissection. Last evaluated: 2025-05-07. Review status: criteria provided, single submitter. Criteria: Ambry Variant Classification Scheme 2023. Collection method: clinical testing. Allele origin: germline.
Comment: The p.G831A variant (also known as c.2492G>C), located in coding exon 37 of the COL5A2 gene, results from a G to C substitution at nucleotide position 2492. The glycine at codon 831 is replaced by alanine, an amino acid with similar properties. Internal structural analysis indicates that this alteration disrupts the characteristic G-X-Y motif of the triple helical domain in the COL5A2 protein and inserts a bulky side chain into a sterically-constrained region (Bella J et al. Science. 1994;266:75-81; Hohenester E et al. Proc. Natl. Acad. Sci.U.S.A. 2008;105:18273-7; Ambry internal data). Glycine substitutions in the triple helical domain of COL5A2 have been reported in association with classic Ehlers-Danlos syndrome (cEDS), but the number of affected individuals is limited and several other COL5A2 glycine substitutions in the triple helical domain (e.g., p.G951E and p.G831A) are too common for disease in population databases (Symoens S et al. Hum. Mutat., 2012 Oct;33:1485-93; Ritelli M et al. Orphanet J Rare Dis. 2013 Apr;8:58). This amino acid position is highly conserved in available vertebrate species. In addition, this alteration is predicted to be deleterious by in silico analysis. Since supporting evidence is limited at this time, the clinical significance of this alteration remains unclear.

Mayo Clinic Laboratories, Mayo Clinic
Classification: Uncertain significance. Last evaluated: 2023-06-16. Review status: criteria provided, single submitter. Criteria: ACMG Guidelines, 2015. Collection method: clinical testing. Allele origin: germline. Observed: 1 variant allele.
Comment: BS1, PP3, PM1

GeneDx
Classification: Uncertain significance. Last evaluated: 2021-12-08. Review status: criteria provided, single submitter. Criteria: GeneDx Variant Classification Process June 2021. Collection method: clinical testing. Allele origin: germline. Affected: yes.
Comment: Has not been previously published as pathogenic or benign to our knowledge; In silico analysis supports that this missense variant has a deleterious effect on protein structure/function; Reported in ClinVar (ClinVar Variant ID# 255998; Landrum et al., 2016); This variant is associated with the following publications: (PMID: 22696272, 24077912)

PreventionGenetics, part of Exact Sciences
Classification: Likely benign. Review status: criteria provided, single submitter. Criteria: ACMG Guidelines, 2015. Collection method: clinical testing. Allele origin: germline.

NM_000393.5(COL5A2):c.2492G>C (p.Gly831Ala)

Gene: COL5A2 (collagen type V alpha 2 chain; minus strand). Cytogenetic location: 2q32.2.
Variant type: single nucleotide variant.
Coding change: c.2492G>C on transcript NM_000393.5 (MANE Select); coding-DNA position 2492, G replaced by C.
Protein change: p.Gly831Ala; replaces glycine 831 with alanine.
Molecular consequence: missense variant.
Genome position (GRCh38, 1-based): chr2:189,053,902, C>G on the plus strand (G>C on the coding strand, the complement: COL5A2 is on the minus strand). VCF-style: chr2-189053902-C-G. GRCh37 (hg19) VCF-style: chr2-189918628-C-G.
Other names: p.Gly831Ala; short protein forms G831A.
Identifiers: ClinVar variation 255998 (VCV000255998.24), dbSNP rs141210030, ClinGen allele CA2022303.